The following is an entry in ClinVar:

ClinVar aggregate classification (germline): Pathogenic/Likely pathogenic. Review status: criteria provided, multiple submitters, no conflicts (2 of 4 stars). 2 submissions from 2 submitters: Pathogenic (1); Likely pathogenic (1). Last evaluated 2025-08-28.

Conditions:
Amyotrophic lateral sclerosis type 1 (ALS1). Also called: AMYOTROPHIC LATERAL SCLEROSIS 1, FAMILIAL. Identifiers: Orphanet 803, MedGen C1862939, MONDO:0007103, OMIM 105400.
Perry syndrome. Also called: PARKINSONISM WITH ALVEOLAR HYPOVENTILATION AND MENTAL DEPRESSION. Identifiers: Orphanet 178509, MedGen C1868594, MONDO:0008201, OMIM 168605.
Neuronopathy, distal hereditary motor, type 7B. Also called: HMN VIIB; LOWER MOTOR NEURON DISEASE, DYNACTIN TYPE; Distal Hereditary Motor Neuronopathy Type 7B (dHMN7B); NEURONOPATHY, DISTAL HEREDITARY MOTOR, AUTOSOMAL DOMINANT 14; NEURONOPATHY, DISTAL HEREDITARY MOTOR, HARDING TYPE VIIB; NEUROPATHY, DISTAL HEREDITARY MOTOR, HARDING TYPE VIIB. Identifiers: Orphanet 139589, MedGen C1843315, MONDO:0011879, OMIM 607641.

Submissions (2):

Labcorp Genetics (formerly Invitae), Labcorp
Classification: Pathogenic for Amyotrophic lateral sclerosis type 1; Neuronopathy, distal hereditary motor, type 7B; Perry syndrome. Last evaluated: 2025-08-28. Review status: criteria provided, single submitter. Criteria: Invitae Variant Classification Sherloc (09022015). Collection method: clinical testing. Allele origin: germline.
Comment: This sequence change affects codon 93 of the DCTN1 mRNA. It is a 'silent' change, meaning that it does not change the encoded amino acid sequence of the DCTN1 protein. This variant also falls at the last nucleotide of exon 2, which is part of the consensus splice site for this exon. This variant is not present in population databases (gnomAD no frequency). This variant has been observed in individuals with DCTN1-related conditions (PMID: 33443672; internal data). It has also been observed to segregate with disease in related individuals. ClinVar contains an entry for this variant (Variation ID: 2575870). Invitae Evidence Modeling of protein sequence and biophysical properties (such as structural, functional, and spatial information, amino acid conservation, physicochemical variation, residue mobility, and thermodynamic stability) has been performed for this missense variant. However, the output from this modeling did not meet the statistical confidence thresholds required to predict the impact of this variant on DCTN1 protein function. Variants that disrupt the consensus splice site are a relatively common cause of aberrant splicing (PMID: 17576681, 9536098). Algorithms developed to predict the effect of sequence changes on RNA splicing suggest that this variant may disrupt the consensus splice site. For these reasons, this variant has been classified as Pathogenic.

GeneDx
Classification: Likely pathogenic. Last evaluated: 2023-02-22. Review status: criteria provided, single submitter. Criteria: GeneDx Variant Classification Process June 2021. Collection method: clinical testing. Allele origin: germline. Affected: yes.
Comment: Variant in the last nucleotide of the exon in a gene for which loss of function is a known mechanism of disease, and both splice predictors and evolutionary conservation support a deleterious effect, although in the absence of functional evidence the actual effect of this sequence change is unknown.; In silico analysis supports that this missense variant has a deleterious effect on protein structure/function; Not observed at significant frequency in large population cohorts (gnomAD); This variant is associated with the following publications: (PMID: 36608707, 19136952, 33210134, 34615428, 20945553, 33443672)

Literature cited by the submitters: PubMed 33443672 (cited by Labcorp Genetics (formerly Invitae), Labcorp); PubMed 17576681 (cited by Labcorp Genetics (formerly Invitae), Labcorp); PubMed 9536098 (cited by Labcorp Genetics (formerly Invitae), Labcorp).

NM_004082.5(DCTN1):c.279G>C (p.Gln93His)

Gene: DCTN1 (dynactin subunit 1; minus strand). Cytogenetic location: 2p13.1.
Variant type: single nucleotide variant.
Coding change: c.279G>C on transcript NM_004082.5 (MANE Select); coding-DNA position 279, G replaced by C.
Protein change: p.Gln93His; replaces glutamine 93 with histidine.
Molecular consequence: missense variant. On other transcripts: non-coding transcript variant (1).
Genome position (GRCh38, 1-based): chr2:74,378,000, C>G on the plus strand (G>C on the coding strand, the complement: DCTN1 is on the minus strand). VCF-style: chr2-74378000-C-G. GRCh37 (hg19) VCF-style: chr2-74605127-C-G.
Other names: c.279G>C, p.Gln93His (NM_001135040.3, NM_001190837.2); c.228G>C, p.Gln76His (NM_001190836.2, NM_001378991.1, NM_001378992.1); short protein forms Q76H, Q93H.
Identifiers: ClinVar variation 2575870 (VCV002575870.4), dbSNP rs1675325580, ClinGen allele CA347321496.